The following is an entry in ClinVar:

ClinVar aggregate classification (germline): Uncertain significance. Review status: criteria provided, multiple submitters, no conflicts (2 of 4 stars). 2 submissions from 2 submitters: Uncertain significance (2). Last evaluated 2026-05-18.

Conditions:
Familial adenomatous polyposis 1 (FAP1). Also called: FAMILIAL ADENOMATOUS POLYPOSIS 1, ATTENUATED; POLYPOSIS, ADENOMATOUS INTESTINAL. Identifiers: MedGen C2713442, MONDO:0021056, OMIM 175100. Disease mechanism: loss of function.
Hereditary cancer-predisposing syndrome. Also called: Hereditary neoplastic syndrome; Tumor predisposition; Hereditary Cancer Syndrome; Neoplastic Syndromes, Hereditary. Identifiers: Orphanet 140162, MedGen C0027672, MeSH D009386, MONDO:0015356.

gnomAD v4.1: 1 of 1,614,060 alleles (0.000062%); highest among the groups gnomAD compares: South Asian, 0.0011%; no homozygotes.

Submissions (2):

Ambry Genetics
Classification: Uncertain significance for Hereditary cancer-predisposing syndrome. Last evaluated: 2026-05-18. Review status: criteria provided, single submitter. Criteria: Ambry Variant Classification Scheme 2023. Collection method: clinical testing. Allele origin: germline.
Comment: The p.D2306G variant (also known as c.6917A>G), located in coding exon 15 of the APC gene, results from an A to G substitution at nucleotide position 6917. The aspartic acid at codon 2306 is replaced by glycine, an amino acid with similar properties. This amino acid position is conserved. In addition, in silico predictors for this gene do not accurately predict pathogenicity. Based on the available evidence, the clinical significance of this variant remains unclear.

Labcorp Genetics (formerly Invitae), Labcorp
Classification: Uncertain significance for Familial adenomatous polyposis 1. Last evaluated: 2024-03-19. Review status: criteria provided, single submitter. Criteria: Invitae Variant Classification Sherloc (09022015). Collection method: clinical testing. Allele origin: germline.
Comment: This sequence change replaces aspartic acid, which is acidic and polar, with glycine, which is neutral and non-polar, at codon 2306 of the APC protein (p.Asp2306Gly). This variant is present in population databases (rs755851501, gnomAD 0.003%). This variant has not been reported in the literature in individuals affected with APC-related conditions. Advanced modeling of protein sequence and biophysical properties (such as structural, functional, and spatial information, amino acid conservation, physicochemical variation, residue mobility, and thermodynamic stability) performed at Invitae indicates that this missense variant is not expected to disrupt APC protein function with a negative predictive value of 95%. In summary, the available evidence is currently insufficient to determine the role of this variant in disease. Therefore, it has been classified as a Variant of Uncertain Significance.

NM_000038.6(APC):c.6917A>G (p.Asp2306Gly)

Gene: APC (APC regulator of Wnt signaling pathway; plus strand). Cytogenetic location: 5q22.2.
Variant type: single nucleotide variant.
Coding change: c.6917A>G on transcript NM_000038.6 (MANE Select); coding-DNA position 6917, A replaced by G.
Protein change: p.Asp2306Gly; replaces aspartic acid 2306 with glycine.
Molecular consequence: missense variant. On other transcripts: non-coding transcript variant (2).
Genome position (GRCh38, 1-based): chr5:112,842,511, A>G. VCF-style: chr5-112842511-A-G. GRCh37 (hg19) VCF-style: chr5-112178208-A-G.
Other names: c.6917A>G, p.Asp2306Gly (NM_001127510.3, NM_001354895.2, NM_001407450.1); c.6896A>G, p.Asp2299Gly (NM_001407451.1); c.6887A>G, p.Asp2296Gly (NM_001407452.1); c.6740A>G, p.Asp2247Gly (NM_001407453.1, NM_001354901.2); c.6668A>G, p.Asp2223Gly (NM_001407454.1, NM_001407455.1, NM_001407456.1 and 1 more transcripts); c.6614A>G, p.Asp2205Gly (NM_001407458.1, NM_001407459.1, NM_001354903.2 and 1 more transcripts); c.6863A>G, p.Asp2288Gly (NM_001127511.3); c.6971A>G, p.Asp2324Gly (NM_001354896.2, NM_001407447.1, NM_001407448.1 and 1 more transcripts); and 12 more; short protein forms D2023G, D2180G, D2278G, D2281G, D2299G, D2205G, D2215G, D2316G.
Identifiers: ClinVar variation 3676081 (VCV003676081.3).